The following is an entry in ClinVar:

NM_000540.3(RYR1):c.9686-7A>G

Gene: RYR1 (ryanodine receptor 1; plus strand). Cytogenetic location: 19q13.2.
Variant type: single nucleotide variant.
Coding change: c.9686-7A>G on transcript NM_000540.3 (MANE Select); 7 bases into the intron before coding-DNA position 9686, A replaced by G.
Molecular consequence: intron variant.
Genome position (GRCh38, 1-based): chr19:38,517,352, A>G. VCF-style: chr19-38517352-A-G. GRCh37 (hg19) VCF-style: chr19-39007992-A-G.
Other names: c.9686-7A>G (NM_001042723.2).
Identifiers: ClinVar variation 3070091 (VCV003070091.2), dbSNP rs2514432082, ClinGen allele CA2584904070.

ClinVar aggregate classification (germline): Likely benign. Review status: criteria provided, multiple submitters, no conflicts (2 of 4 stars). 2 submissions from 2 submitters: Likely benign (2). Last evaluated 2023-04-03.

Conditions:
Malignant hyperthermia, susceptibility to, 1 (MHS1). Also called: RYR1-Related Malignant Hyperthermia Susceptibility; Anesthesia related hyperthermia; Malignant hyperpyrexia; Fulminating hyperpyrexia; Pharmacogenic myopathy; Malignant hyperthermia suceptibility 1. Identifiers: Orphanet 423, MedGen C2930980, MONDO:0007783, OMIM 145600.

Allele frequency attached by ClinVar (database versions not stated): gnomAD exomes below 0.00001.
gnomAD v4.1: 2 of 1,612,390 alleles (0.00012%); highest among the groups gnomAD compares: Non-Finnish European, 0.00017%; no homozygotes.

Submissions (2):

All of Us Research Program, National Institutes of Health
Classification: Likely benign for Malignant hyperthermia, susceptibility to, 1. Last evaluated: 2023-04-03. Review status: criteria provided, single submitter. Criteria: ACMG Guidelines, 2015. Collection method: clinical testing. Allele origin: germline. Inheritance: Autosomal dominant inheritance. Observed: 1 variant allele, 1 heterozygote.
Comment: This study involves interpretation of variants in research participants for the purpose of population health screening. Participant phenotype was not available at the time of variant classification. Additional details can be found in publication PMID: 35346344, PMCID: PMC8962531

Color Diagnostics, LLC DBA Color Health
Classification: Likely benign for Malignant hyperthermia, susceptibility to, 1. Last evaluated: 2022-12-12. Review status: criteria provided, single submitter. Criteria: ACMG Guidelines, 2015. Collection method: clinical testing. Allele origin: germline.